The following is an entry in ClinVar:

ClinVar aggregate classification (germline): Likely benign (1 of 4 stars; one submission).

Allele frequency attached by ClinVar (database versions not stated): gnomAD 0.00196.
gnomAD v4.1: 193 of 99,662 alleles (0.19%); highest among the groups gnomAD compares: Middle Eastern, 0.64%; 14 homozygotes.

Submission:

CeGaT Center for Human Genetics Tuebingen
Classification: Likely benign. Last evaluated: 2022-09-01. Review status: criteria provided, single submitter. Criteria: CeGaT Center For Human Genetics Tuebingen Variant Classification Criteria Version 2. Collection method: clinical testing. Allele origin: germline. Affected: yes. Observed: 1 variant allele.
Comment: MCF2L: BS2

NM_001112732.3(MCF2L):c.80-2600G>A

Gene: MCF2L (MCF.2 cell line derived transforming sequence like; plus strand). Cytogenetic location: 13q34.
Variant type: single nucleotide variant.
Coding change: c.80-2600G>A on transcript NM_001112732.3 (MANE Select); 2600 bases into the intron before coding-DNA position 80, G replaced by A.
Molecular consequence: intron variant.
Genome position (GRCh38, 1-based): chr13:113,012,163, G>A. VCF-style: chr13-113012163-G-A. GRCh37 (hg19) VCF-style: chr13-113666477-G-A.
Other names: c.170-2600G>A (NM_001438391.1, NM_001438392.1, NM_001438393.1); c.179-2600G>A (NM_001438390.1, NM_001438759.1, NM_001438762.1); c.26-2600G>A (NM_001438761.1); c.80-2600G>A (NM_001437889.1, NM_001438763.1); c.-8-2600G>A (NM_001366644.2); c.92-2600G>A (NM_001320816.2); c.98-2600G>A (NM_001438764.1); c.74-2600G>A (NM_001438760.1, NM_001320815.2, NM_024979.5 and 1 more transcripts).
Identifiers: ClinVar variation 2643972 (VCV002643972.24), dbSNP rs1360274533, ClinGen allele CA485025630.
Genomic context (GRCh38, chr13:113,012,163, plus strand): 5'-GATGGTGGACAGGTGGTGTGGACGGTGGACAGGCAGTGTGGACGGTGGACACTGTGATGC[G>A]GACGGTGGACAGGCAGTGTGGATGGTGGACAGGCGGTGTGGACGGTGGACAGGCTGGGTG-3'